The following is an entry in ClinVar:

NM_007055.4(POLR3A):c.440_441del (p.Ile146_Ser147insTer)

Genes: POLR3A (RNA polymerase III subunit A; minus strand), LOC126860971 (CDK7 strongly-dependent group 2 enhancer GRCh37_chr10:79784551-79785750; plus strand). Cytogenetic location: 10q22.3.
Variant type: Microsatellite.
Coding change: c.440_441del on transcript NM_007055.4 (MANE Select); coding-DNA positions 440 to 441, 2 bases deleted (CT; older notation c.440_441delCT).
Protein change: p.Ile146_Ser147insTer.
Molecular consequence: nonsense.
Genome position (GRCh38, 1-based): chr10:78,025,020-78,025,021, AG deleted on the plus strand (CT on the coding strand, the reverse complement: POLR3A is on the minus strand); deleting any 2 consecutive bases within chr10:78,025,020-78,025,024 gives the same sequence; the c. name uses the placement nearest the transcript's 3' end. VCF-style (leftmost placement, unchanged base first): chr10-78025019-CAG-C. GRCh37 (hg19) VCF-style: chr10-79784777-CAG-C.
Identifiers: ClinVar variation 4278993 (VCV004278993.1).
Genomic context (GRCh38, chr10:78,025,019, plus strand): 5'-CATTCCACTCACCATTAAAAGCGCCACAGTGATGGCAGATGTTTTTCTTCCGGCACTTGT[CAG>C]AGATTTTCTTTTTCAGTCCTCGCTTCTGAAGGTAGGTCAGGCCGGGCCTCTTTAGATAGT-3'

ClinVar aggregate classification (germline): Likely pathogenic (1 of 4 stars; one submission).

Conditions:
Leukodystrophy, hypomyelinating, 7, with or without oligodontia and/or hypogonadotropic hypogonadism (HLD7). Also called: LEUKOENCEPHALOPATHY, HYPOMYELINATING, WITH ATAXIA AND DELAYED DENTITION; ATAXIA, DELAYED DENTITION, AND HYPOMYELINATION; LEUKODYSTROPHY, HYPOMYELINATING, 7, WITH OLIGODONTIA; LEUKODYSTROPHY, HYPOMYELINATING, 7, WITH OLIGODONTIA AND HYPOGONADOTROPIC HYPOGONADISM; LEUKODYSTROPHY, HYPOMYELINATING, 7, WITHOUT OLIGODONTIA OR HYPOGONADOTROPIC HYPOGONADISM; Ataxia, Delayed Dentition and Hypomyelination (ADDH). Identifiers: Orphanet 137639, Orphanet 447893, Orphanet 447896, Orphanet 77295, Orphanet 88637, MedGen CN034185, MONDO:0011897, OMIM 607694.

Submission:

Center for Precision Genome Editing and Genetic Technologies for Biomedicine, Pirogov Russian National Research Medical University
Classification: Likely pathogenic for Leukodystrophy, hypomyelinating, 7, with or without oligodontia and/or hypogonadotropic hypogonadism. Review status: criteria provided, single submitter. Criteria: ACMG Guidelines, 2015. Collection method: clinical testing. Allele origin: unknown. Inheritance: Autosomal recessive inheritance. Affected: yes. Observed: 1 compound heterozygote.
Comment: POLR3A(NM_007055.4):c.440_441del p.Ser147Ter. This is a nonsense variant that leads to the formation of a premature stop codon, resulting in a reduction in the amount of protein product – PVS1. This variant has not been detected in control samples nor in patients with leukodystrophy, hypomyelinating, 7, with or without oligodontia and/or hypogonadotropic hypogonadism, OMIM: 607694, and Wiedemann-Rautenstrauch syndrome, OMIM: 264090; hence, the PM2 criterion applies. Based on the applied ACMG/AMP criteria (PVS1, PM2), this variant is classified as Likely Pathogenic.

Literature cited by the submitters: DOI 10.1002/humu.23626.